The following is an entry in ClinVar:

ClinVar aggregate classification (germline): Conflicting classifications of pathogenicity. Review status: criteria provided, conflicting classifications (1 of 4 stars). 3 submissions from 3 submitters: Uncertain significance (2); Likely benign (1). Last evaluated 2024-10-03.

Conditions:
AXIN2-related disorder.
Hereditary cancer-predisposing syndrome. Also called: Hereditary Cancer Syndrome; Hereditary neoplastic syndrome; Neoplastic Syndromes, Hereditary; Tumor predisposition. Identifiers: Orphanet 140162, MedGen C0027672, MeSH D009386, MONDO:0015356.
Oligodontia-cancer predisposition syndrome. Also called: TOOTH AGENESIS-COLORECTAL CANCER SYNDROME. Identifiers: Orphanet 300576, MedGen C1837750, MONDO:0012075, OMIM 608615. Disease mechanism: loss of function.

Allele frequency attached by ClinVar (database versions not stated): gnomAD exomes below 0.00001; TOPMed below 0.00001.
gnomAD v4.1: 2 of 1,614,168 alleles (0.00012%); highest among the groups gnomAD compares: Non-Finnish European, 0.00017%; no homozygotes.

Submissions (3):

Labcorp Genetics (formerly Invitae), Labcorp
Classification: Uncertain significance for Oligodontia-cancer predisposition syndrome. Last evaluated: 2024-10-03. Review status: criteria provided, single submitter. Criteria: Invitae Variant Classification Sherloc (09022015). Collection method: clinical testing. Allele origin: germline.
Comment: This sequence change replaces isoleucine, which is neutral and non-polar, with valine, which is neutral and non-polar, at codon 169 of the AXIN2 protein (p.Ile169Val). This variant is not present in population databases (gnomAD no frequency). This variant has not been reported in the literature in individuals affected with AXIN2-related conditions. ClinVar contains an entry for this variant (Variation ID: 408846). Invitae Evidence Modeling of protein sequence and biophysical properties (such as structural, functional, and spatial information, amino acid conservation, physicochemical variation, residue mobility, and thermodynamic stability) indicates that this missense variant is not expected to disrupt AXIN2 protein function with a negative predictive value of 80%. In summary, the available evidence is currently insufficient to determine the role of this variant in disease. Therefore, it has been classified as a Variant of Uncertain Significance.

PreventionGenetics, part of Exact Sciences
Classification: Uncertain significance for AXIN2-related condition. Last evaluated: 2022-11-18. Review status: criteria provided, single submitter. Criteria: ACMG Guidelines, 2015. Collection method: clinical testing. Allele origin: germline.
Comment: The AXIN2 c.505A>G variant is predicted to result in the amino acid substitution p.Ile169Val. To our knowledge, this variant has not been reported in the literature or in a large population database, indicating this variant is rare. At this time, the clinical significance of this variant is uncertain due to the absence of conclusive functional and genetic evidence.

Ambry Genetics
Classification: Likely benign for Hereditary cancer-predisposing syndrome. Last evaluated: 2021-02-22. Review status: criteria provided, single submitter. Criteria: Ambry Variant Classification Scheme 2023. Collection method: clinical testing. Allele origin: germline.

NM_004655.4(AXIN2):c.505A>G (p.Ile169Val)

Gene: AXIN2 (axin 2; minus strand). Cytogenetic location: 17q24.1.
Variant type: single nucleotide variant.
Coding change: c.505A>G on transcript NM_004655.4 (MANE Select); coding-DNA position 505, A replaced by G.
Protein change: p.Ile169Val; replaces isoleucine 169 with valine.
Molecular consequence: missense variant.
Genome position (GRCh38, 1-based): chr17:65,558,116, T>C on the plus strand (A>G on the coding strand, the complement: AXIN2 is on the minus strand). VCF-style: chr17-65558116-T-C. GRCh37 (hg19) VCF-style: chr17-63554234-T-C.
Other names: c.505A>G (LRG_296t1); c.505A>G, p.Ile169Val (NM_001363813.1); short protein forms I169V.
Identifiers: ClinVar variation 408846 (VCV000408846.12), dbSNP rs1060502155, ClinGen allele CA16615900.